The following is an entry in ClinVar:

ClinVar aggregate classification (germline): Uncertain significance (1 of 4 stars; one submission).

Submission:

Women's Health and Genetics/Laboratory Corporation of America, LabCorp
Classification: Uncertain significance. Last evaluated: 2025-06-19. Review status: criteria provided, single submitter. Criteria: LabCorp Variant Classification Summary - May 2015. Collection method: clinical testing. Allele origin: germline.
Comment: Variant summary: FLRT3 c.1747delG (p.Asp583ThrfsX17) results in a premature termination codon, predicted to cause a truncation of the encoded protein or absence of the protein. The variant was absent in 250822 control chromosomes. The available data on variant occurrences in the general population are insufficient to allow any conclusion about variant significance. To our knowledge, no occurrence of c.1747delG in individuals affected with Hypogonadotropic Hypogonadism 21 With Or Without Anosmia and no experimental evidence demonstrating its impact on protein function have been reported. No submitters have cited clinical-significance assessments for this variant to ClinVar. Based on the evidence outlined above, the variant was classified as uncertain significance.

NM_198391.3(FLRT3):c.1747del (p.Asp583fs)

Genes: FLRT3 (fibronectin leucine rich transmembrane protein 3; minus strand), MACROD2 (mono-ADP ribosylhydrolase 2; plus strand). Cytogenetic location: 20p12.1.
Variant type: Deletion.
Coding change: c.1747del on transcript NM_198391.3 (MANE Select); coding-DNA position 1747, one base deleted (G; older notation c.1747delG).
Protein change: p.Asp583fs; shifts the reading frame from aspartic acid 583.
Molecular consequence: frameshift variant. On other transcripts: intron variant (3).
Genome position (GRCh38, 1-based): chr20:14,325,760, C deleted on the plus strand (G on the coding strand, the reverse complement: FLRT3 is on the minus strand); the first of 2 consecutive C bases (chr20:14,325,760-14,325,761); deleting either gives the same sequence. VCF-style (leftmost placement, unchanged base first): chr20-14325759-TC-T. GRCh37 (hg19) VCF-style: chr20-14306405-TC-T.
Other names: c.1747del, p.Asp583fs (NM_013281.4); c.272-167718del (NM_001351661.2, NM_001351663.2, NM_080676.6); c.1747delG (NM_198391.3); short protein forms D583fs.
Identifiers: ClinVar variation 3907636 (VCV003907636.1).